The following is an entry in ClinVar:

ClinVar aggregate classification (germline): Uncertain significance (1 of 4 stars; one submission).

Conditions:
Hereditary pancreatitis (PCTT). Also called: Hereditary chronic pancreatitis; PRSS1-Related Hereditary Pancreatitis. Identifiers: Orphanet 676, MedGen C0238339, MONDO:0008185, OMIM 167800.

Submission:

Ambry Genetics
Classification: Uncertain significance for Hereditary pancreatitis. Last evaluated: 2021-07-29. Review status: criteria provided, single submitter. Criteria: Ambry Variant Classification Scheme 2023. Collection method: clinical testing. Allele origin: germline.
Comment: The p.E92D variant (also known as c.276G>C), located in coding exon 4 of the CTRC gene, results from a G to C substitution at nucleotide position 276. The glutamic acid at codon 92 is replaced by aspartic acid, an amino acid with highly similar properties. This amino acid position is conserved. In addition, this alteration is predicted to be tolerated by in silico analysis. Since supporting evidence is limited at this time, the clinical significance of this alteration remains unclear.

NM_007272.3(CTRC):c.276G>C (p.Glu92Asp)

Gene: CTRC (chymotrypsin C; plus strand). Cytogenetic location: 1p36.21.
Variant type: single nucleotide variant.
Coding change: c.276G>C on transcript NM_007272.3 (MANE Select); coding-DNA position 276, G replaced by C.
Protein change: p.Glu92Asp; replaces glutamic acid 92 with aspartic acid.
Molecular consequence: missense variant.
Genome position (GRCh38, 1-based): chr1:15,442,492, G>C. VCF-style: chr1-15442492-G-C. GRCh37 (hg19) VCF-style: chr1-15768988-G-C.
Other names: short protein forms E92D.
Identifiers: ClinVar variation 1795795 (VCV001795795.2), dbSNP rs374645306, ClinGen allele CA338565418.